The following is an entry in ClinVar:

ClinVar aggregate classification (germline): Pathogenic/Likely pathogenic. Review status: criteria provided, multiple submitters, no conflicts (2 of 4 stars). 2 submissions from 2 submitters: Pathogenic (1); Likely pathogenic (1). Last evaluated 2026-01-27.

Conditions:
Thyroid dyshormonogenesis 6 (TDH6). Also called: HYPOTHYROIDISM, CONGENITAL, DUE TO DYSHORMONOGENESIS, 6; THYROID HORMONOGENESIS, GENETIC DEFECT IN, 6; Genetic transient congenital hypothyroidism. Identifiers: Orphanet 226316, Orphanet 95716, MedGen C1846632, MONDO:0011792, OMIM 607200.

Submissions (2):

Labcorp Genetics (formerly Invitae), Labcorp
Classification: Pathogenic. Last evaluated: 2026-01-27. Review status: criteria provided, single submitter. Criteria: Invitae Variant Classification Sherloc (09022015). Collection method: clinical testing. Allele origin: germline.
Comment: This sequence change affects a splice site in intron 33 of the DUOX2 gene. While this variant is not anticipated to result in nonsense mediated decay, it likely alters RNA splicing and results in a disrupted protein product. It is expected to disrupt the last 40 amino acid(s) of the DUOX2 protein. This variant is present in population databases (rs578014563, gnomAD 0.1%). This variant has not been reported in the literature in individuals affected with DUOX2-related conditions. This variant is also known as Exon 33, c.4524dup (p.Val1509Glyfs*38). ClinVar contains an entry for this variant (Variation ID: 1454477). Variants that disrupt the consensus splice site are a relatively common cause of aberrant splicing (PMID: 17576681, 9536098). Algorithms developed to predict the effect of sequence changes on RNA splicing suggest that this variant may disrupt the consensus splice site. This variant disrupts a region of the DUOX2 protein in which other variant(s) (p.Gly1518Ser) have been determined to be pathogenic (PMID: 20187165, 31030636). This suggests that this is a clinically significant region of the protein, and that variants that disrupt it are likely to be disease-causing. For these reasons, this variant has been classified as Pathogenic.

Fulgent Genetics
Classification: Likely pathogenic for Thyroid dyshormonogenesis 6. Last evaluated: 2024-06-21. Review status: criteria provided, single submitter. Criteria: ACMG Guidelines, 2015. Collection method: clinical testing. Allele origin: germline.

Literature cited by the submitters: PubMed 17576681 (cited by Labcorp Genetics (formerly Invitae), Labcorp); PubMed 9536098 (cited by Labcorp Genetics (formerly Invitae), Labcorp); PubMed 20187165 (cited by Labcorp Genetics (formerly Invitae), Labcorp); PubMed 31030636 (cited by Labcorp Genetics (formerly Invitae), Labcorp).

NM_001363711.2(DUOX2):c.4524+1dup

Gene: DUOX2 (dual oxidase 2; minus strand). Cytogenetic location: 15q21.1.
Variant type: Duplication.
Coding change: c.4524+1dup on transcript NM_001363711.2 (MANE Select); the canonical splice donor site of the intron after coding-DNA position 4524, one base duplicated (G; older notation c.4524+1dupG).
Molecular consequence: splice donor variant.
Genome position (GRCh38, 1-based): chr15:45,094,562, C duplicated on the plus strand (G on the coding strand, the reverse complement: DUOX2 is on the minus strand); the first of 2 consecutive C bases (chr15:45,094,562-45,094,563); duplicating either gives the same sequence. VCF-style (leftmost placement, unchanged base first): chr15-45094561-A-AC. GRCh37 (hg19) VCF-style: chr15-45386759-A-AC.
Other names: c.4524+1dup (NM_014080.5, NM_014080.4).
Identifiers: ClinVar variation 1454477 (VCV001454477.8), dbSNP rs578014563, ClinGen allele CA7537492.